The following is an entry in ClinVar:

ClinVar aggregate classification (germline): Uncertain significance (1 of 4 stars; one submission).

Conditions:
Familial adenomatous polyposis 1 (FAP1). Also called: FAMILIAL ADENOMATOUS POLYPOSIS 1, ATTENUATED; POLYPOSIS, ADENOMATOUS INTESTINAL. Identifiers: MedGen C2713442, MONDO:0021056, OMIM 175100. Disease mechanism: loss of function.

Submission:

Labcorp Genetics (formerly Invitae), Labcorp
Classification: Uncertain significance for Familial adenomatous polyposis 1. Last evaluated: 2018-12-13. Review status: criteria provided, single submitter. Criteria: Invitae Variant Classification Sherloc (09022015). Collection method: clinical testing. Allele origin: germline.
Comment: In summary, the available evidence is currently insufficient to determine the role of this variant in disease. Therefore, it has been classified as a Variant of Uncertain Significance. Experimental studies and prediction algorithms are not available for this variant, and the functional significance of this non-coding change is currently unknown. This variant has not been reported in the literature in individuals with APC-related conditions. The frequency data for this variant in the population databases is considered unreliable, as metrics indicate insufficient coverage at this position in the ExAC database. This variant occurs in a non-coding region of the APC gene. It does not change the encoded amino acid sequence of the APC protein.

NM_001127511.3(APC):c.-109C>A

Gene: APC (APC regulator of Wnt signaling pathway; plus strand). Cytogenetic location: 5q22.2.
Variant type: single nucleotide variant.
Coding change: c.-109C>A on transcript NM_001127511.3; 109 bases upstream of the start codon, C replaced by A.
Molecular consequence: 5 prime UTR variant. On other transcripts: non-coding transcript variant (2).
Genome position (GRCh38, 1-based): chr5:112,707,609, C>A. VCF-style: chr5-112707609-C-A. GRCh37 (hg19) VCF-style: chr5-112043306-C-A.
Other names: c.-292C>A (NM_001354895.2, NM_001407447.1, NM_001407452.1 and 3 more transcripts); c.-109C>A (NM_001354897.2, NM_001354902.2, NM_001407446.1); c.-59C>A (NM_001407448.1, NM_001407450.1, NM_001407457.1 and 1 more transcripts); c.-83C>A (NM_001407453.1); c.-1327C>A (NM_001407470.1, NM_001407472.1).
Identifiers: ClinVar variation 649737 (VCV000649737.9), dbSNP rs761634030, ClinGen allele CA915943586.